The following is an entry in ClinVar:

ClinVar aggregate classification (germline): Uncertain significance (1 of 4 stars; one submission).

gnomAD v4.1: 1 of 1,614,132 alleles (0.000062%); highest among the groups gnomAD compares: South Asian, 0.0011%; no homozygotes.

Submission:

Ambry Genetics
Classification: Uncertain significance. Last evaluated: 2026-08-23. Review status: criteria provided, single submitter. Criteria: Ambry Variant Classification Scheme 2023. Collection method: clinical testing. Allele origin: germline.
Comment: The p.Y167H variant (also known as c.499T>C), located in coding exon 3 of the GEN1 gene, results from a T to C substitution at nucleotide position 499. The tyrosine at codon 167 is replaced by histidine, an amino acid with similar properties. This amino acid position is conserved. In addition, this alteration is predicted to be deleterious by in silico analysis. Based on the available evidence, the clinical significance of this variant remains unclear.

NM_001130009.3(GEN1):c.499T>C (p.Tyr167His)

Gene: GEN1 (GEN1 structure-specific endonuclease; plus strand). Cytogenetic location: 2p24.2.
Variant type: single nucleotide variant.
Coding change: c.499T>C on transcript NM_001130009.3 (MANE Select); coding-DNA position 499, T replaced by C.
Protein change: p.Tyr167His; replaces tyrosine 167 with histidine.
Molecular consequence: missense variant.
Genome position (GRCh38, 1-based): chr2:17,765,047, T>C. VCF-style: chr2-17765047-T-C. GRCh37 (hg19) VCF-style: chr2-17946314-T-C.
Other names: c.499T>C, p.Tyr167His (NM_182625.5); short protein forms Y167H.
Identifiers: ClinVar variation 5022340 (VCV005022340.1).